The following is an entry in ClinVar:

NM_001384732.1(CPLANE1):c.8981T>C (p.Ile2994Thr)

Gene: CPLANE1 (ciliogenesis and planar polarity effector complex subunit 1; minus strand). Cytogenetic location: 5p13.2.
Variant type: single nucleotide variant.
Coding change: c.8981T>C on transcript NM_001384732.1 (MANE Select); coding-DNA position 8981, T replaced by C.
Protein change: p.Ile2994Thr; replaces isoleucine 2994 with threonine.
Molecular consequence: missense variant.
Genome position (GRCh38, 1-based): chr5:37,122,466, A>G on the plus strand (T>C on the coding strand, the complement: CPLANE1 is on the minus strand). VCF-style: chr5-37122466-A-G. GRCh37 (hg19) VCF-style: chr5-37122568-A-G.
Other names: c.8819T>C, p.Ile2940Thr (NM_023073.4); short protein forms I2940T, I2994T.
Identifiers: ClinVar variation 2902585 (VCV002902585.3), dbSNP rs759378976, ClinGen allele CA3237603.
Genomic context (GRCh38, chr5:37,122,466, plus strand): 5'-CAGGGTTACAGCTACCAAACTCACCTGTCTTTTTCATGCTTCATCTTTTGTCTCAGCCTT[A>G]TTTCCCTTGAAGTCATGTAAAGCTGCATAAAAAATACCCAGTTGGTTCATTATTGTTCAA-3'
Protein context (NP_001371661.1, residues 2984-3004): SNPLYMTSRE[Ile2994Thr]RLRQKMKHEK

ClinVar aggregate classification (germline): Uncertain significance (1 of 4 stars; one submission).

Allele frequency attached by ClinVar (database versions not stated): gnomAD exomes below 0.00001; TOPMed 0.00001; ExAC 0.00001.
gnomAD v4.1: 5 of 1,612,860 alleles (0.00031%); highest among the groups gnomAD compares: Non-Finnish European, 0.00042%; no homozygotes.

Submission:

Labcorp Genetics (formerly Invitae), Labcorp
Classification: Uncertain significance. Last evaluated: 2025-08-18. Review status: criteria provided, single submitter. Criteria: Invitae Variant Classification Sherloc (09022015). Collection method: clinical testing. Allele origin: germline.
Comment: This sequence change replaces isoleucine, which is neutral and non-polar, with threonine, which is neutral and polar, at codon 2940 of the CPLANE1 protein (p.Ile2940Thr). This variant is present in population databases (rs759378976, gnomAD 0.0009%). This variant has not been reported in the literature in individuals affected with CPLANE1-related conditions. ClinVar contains an entry for this variant (Variation ID: 2902585). Invitae Evidence Modeling of protein sequence and biophysical properties (such as structural, functional, and spatial information, amino acid conservation, physicochemical variation, residue mobility, and thermodynamic stability) indicates that this missense variant is not expected to disrupt CPLANE1 protein function with a negative predictive value of 95%. In summary, the available evidence is currently insufficient to determine the role of this variant in disease. Therefore, it has been classified as a Variant of Uncertain Significance.